The following is an entry in ClinVar:

ClinVar aggregate classification (germline): Uncertain significance (1 of 4 stars; one submission).

Conditions:
Congenital stationary night blindness 1C. Also called: Night blindness, congenital stationary (complete), 1C, autosomal recessive. Identifiers: Orphanet 215, MedGen C2750747, MONDO:0013183, OMIM 613216.

gnomAD v4.1: 34 of 1,613,876 alleles (0.0021%); highest among the groups gnomAD compares: Non-Finnish European, 0.0028%; no homozygotes.

Submission:

3billion
Classification: Uncertain significance for Congenital stationary night blindness 1C. Last evaluated: 2025-12-15. Review status: criteria provided, single submitter. Criteria: ACMG Guidelines, 2015. Collection method: clinical testing. Allele origin: germline. Affected: yes.
Comment: The variant is observed at an extremely low frequency in the gnomAD v4.1.0 dataset (total allele frequency: 0.002%). Predicted Consequence/Location: Missense variant. The majority of the known disease-causing variants of this gene are variants expected to result in premature termination of the protein. In silico tool predictions suggest no damaging effect of the variant on gene or gene product [REVEL: 0.15 (<0.4); 3Cnet: 0.00 (<0.1, specificity 0.84 and negative predicitive value 0.97)]. The same nucleotide change resulting in the same amino acid change has been previously reported to be associated with TRPM1-related disorder (PMID: 35633130). However, the evidence of pathogenicity is insufficient at this time. Therefore, this variant is classified as VUS according to the recommendation of ACMG/AMP guideline.

Literature cited by the submitters: PubMed 35633130.

NM_001252024.2(TRPM1):c.3178G>A (p.Glu1060Lys)

Genes: TRPM1 (transient receptor potential cation channel subfamily M member 1; minus strand), TRPM1-AS1 (TRPM1 antisense RNA 1; plus strand). Cytogenetic location: 15q13.3.
Variant type: single nucleotide variant.
Coding change: c.3178G>A on transcript NM_001252024.2 (MANE Select); coding-DNA position 3178, G replaced by A.
Protein change: p.Glu1060Lys; replaces glutamic acid 1060 with lysine.
Molecular consequence: missense variant.
Genome position (GRCh38, 1-based): chr15:31,028,447, C>T on the plus strand (G>A on the coding strand, the complement: TRPM1 is on the minus strand). VCF-style: chr15-31028447-C-T. GRCh37 (hg19) VCF-style: chr15-31320650-C-T.
Other names: c.3229G>A, p.Glu1077Lys (NM_001252020.2); c.3112G>A, p.Glu1038Lys (NM_002420.6); short protein forms E1038K, E1060K, E1077K.
Identifiers: ClinVar variation 4855340 (VCV004855340.1).